The following is an entry in ClinVar:

ClinVar aggregate classification (germline): Likely pathogenic (1 of 4 stars; one submission).

Conditions:
Familial thoracic aortic aneurysm and aortic dissection (TAAD). Also called: Thoracic aortic aneurysms and dissections. Identifiers: Orphanet 91387, MedGen C4707243, MONDO:0019625.
Marfan syndrome (MFS). Also called: MARFAN SYNDROME, TYPE I; Marfan syndrome type 1; Marfan's syndrome; Marfan syndrome, classic; FBN1-Related Marfan Syndrome. Identifiers: Orphanet 284963, Orphanet 558, MedGen C0024796, MONDO:0007947, OMIM 154700.

Submission:

Labcorp Genetics (formerly Invitae), Labcorp
Classification: Likely pathogenic for Marfan syndrome; Familial thoracic aortic aneurysm and aortic dissection. Last evaluated: 2022-11-01. Review status: criteria provided, single submitter. Criteria: Invitae Variant Classification Sherloc (09022015). Collection method: clinical testing. Allele origin: germline.
Comment: This variant affects a cysteine residue in the EGF-like, TGFBP or hybrid motif domains of FBN1. Cysteine residues are believed to be involved in intramolecular disulfide bridges and have been shown to be important for FBN1 protein structure (PMID: 16905551, 19349279). In addition, missense substitutions affecting cysteine residues within these domains are significantly overrepresented among patients with Marfan syndrome (PMID: 16571647, 17701892). Advanced modeling of protein sequence and biophysical properties (such as structural, functional, and spatial information, amino acid conservation, physicochemical variation, residue mobility, and thermodynamic stability) performed at Invitae indicates that this missense variant is expected to disrupt FBN1 protein function. This variant has not been reported in the literature in individuals affected with FBN1-related conditions. This variant is not present in population databases (gnomAD no frequency). This sequence change replaces cysteine, which is neutral and slightly polar, with tryptophan, which is neutral and slightly polar, at codon 1208 of the FBN1 protein (p.Cys1208Trp). In summary, the currently available evidence indicates that the variant is pathogenic, but additional data are needed to prove that conclusively. Therefore, this variant has been classified as Likely Pathogenic.

Literature cited by the submitters: PubMed 16905551; PubMed 19349279; PubMed 16571647; PubMed 17701892.

NM_000138.5(FBN1):c.3624T>G (p.Cys1208Trp)

Gene: FBN1 (fibrillin 1; minus strand). Cytogenetic location: 15q21.1.
Variant type: single nucleotide variant.
Coding change: c.3624T>G on transcript NM_000138.5 (MANE Select); coding-DNA position 3624, T replaced by G.
Protein change: p.Cys1208Trp; replaces cysteine 1208 with tryptophan.
Molecular consequence: missense variant.
Genome position (GRCh38, 1-based): chr15:48,485,462, A>C on the plus strand (T>G on the coding strand, the complement: FBN1 is on the minus strand). VCF-style: chr15-48485462-A-C. GRCh37 (hg19) VCF-style: chr15-48777659-A-C.
Other names: c.3624T>G, p.Cys1208Trp (NM_001406716.1); short protein forms C1208W.
Identifiers: ClinVar variation 2069386 (VCV002069386.4), dbSNP rs765842423, ClinGen allele CA392324596.